The following is an entry in ClinVar:

NM_001330691.3(CEP78):c.1607A>C (p.Asp536Ala)

Gene: CEP78 (centrosomal protein 78; plus strand). Cytogenetic location: 9q21.2.
Variant type: single nucleotide variant.
Coding change: c.1607A>C on transcript NM_001330691.3 (MANE Select); coding-DNA position 1607, A replaced by C.
Protein change: p.Asp536Ala; replaces aspartic acid 536 with alanine.
Molecular consequence: missense variant.
Genome position (GRCh38, 1-based): chr9:78,264,298, A>C. VCF-style: chr9-78264298-A-C. GRCh37 (hg19) VCF-style: chr9-80879214-A-C.
Other names: c.1610A>C, p.Asp537Ala (NM_001098802.3, NM_001349839.2, NM_001349840.2 and 1 more transcripts); c.1607A>C, p.Asp536Ala (NM_001330693.3, NM_001330694.2, NM_001349838.2); c.1610A>C (NM_001098802.1); short protein forms D537A, D536A.
Identifiers: ClinVar variation 1461318 (VCV001461318.6), dbSNP rs372055425, ClinGen allele CA5095299.

ClinVar aggregate classification (germline): Uncertain significance. Review status: criteria provided, multiple submitters, no conflicts (2 of 4 stars). 3 submissions from 3 submitters: Uncertain significance (3). Last evaluated 2025-08-27.

Conditions:
Inborn genetic diseases. Identifiers: MedGen C0950123, MeSH D030342.

Allele frequency attached by ClinVar (database versions not stated): TOPMed 0.00019; ESP Exome Variant Server 0.00025; 1000 Genomes Project 0.00040; 1000 Genomes Project 30x 0.00062; gnomAD exomes 0.00001 and 0.00003; ExAC 0.00006; gnomAD 0.00015 and 0.00016.
gnomAD v4.1: 43 of 1,613,214 alleles (0.0027%); highest among the groups gnomAD compares: African/African-American, 0.053%; no homozygotes.

Submissions (3):

Ambry Genetics
Classification: Uncertain significance for Inborn genetic diseases. Last evaluated: 2025-08-27. Review status: criteria provided, single submitter. Criteria: Ambry Variant Classification Scheme 2023. Collection method: clinical testing. Allele origin: germline.

Labcorp Genetics (formerly Invitae), Labcorp
Classification: Uncertain significance. Last evaluated: 2024-10-26. Review status: criteria provided, single submitter. Criteria: Invitae Variant Classification Sherloc (09022015). Collection method: clinical testing. Allele origin: germline.
Comment: This sequence change replaces aspartic acid, which is acidic and polar, with alanine, which is neutral and non-polar, at codon 537 of the CEP78 protein (p.Asp537Ala). This variant is present in population databases (rs372055425, gnomAD 0.05%). This variant has not been reported in the literature in individuals affected with CEP78-related conditions. ClinVar contains an entry for this variant (Variation ID: 1461318). Invitae Evidence Modeling of protein sequence and biophysical properties (such as structural, functional, and spatial information, amino acid conservation, physicochemical variation, residue mobility, and thermodynamic stability) indicates that this missense variant is expected to disrupt CEP78 protein function with a positive predictive value of 80%. In summary, the available evidence is currently insufficient to determine the role of this variant in disease. Therefore, it has been classified as a Variant of Uncertain Significance.

Breakthrough Genomics
Classification: Uncertain significance. Review status: criteria provided, single submitter. Criteria: ACMG Guidelines, 2015. Collection method: not provided. Allele origin: germline. Inheritance: Autosomal recessive inheritance. Affected: yes.